The following is an entry in ClinVar:

NM_000257.4(MYH7):c.187_191delinsGTGGGT (p.Thr63fs)

Gene: MYH7 (myosin heavy chain 7; minus strand). Cytogenetic location: 14q11.2.
Variant type: Indel.
Coding change: c.187_191delinsGTGGGT on transcript NM_000257.4 (MANE Select); coding-DNA positions 187 to 191, ACCGA replaced by GTGGGT.
Protein change: p.Thr63fs; shifts the reading frame from threonine 63.
Molecular consequence: frameshift variant.
Genome position (GRCh38, 1-based): chr14:23,433,542-23,433,546, TCGGT replaced by ACCCAC on the plus strand (ACCGA replaced by GTGGGT on the coding strand, the reverse complement: MYH7 is on the minus strand). VCF-style: chr14-23433542-TCGGT-ACCCAC. GRCh37 (hg19) VCF-style: chr14-23902751-TCGGT-ACCCAC.
Other names: c.187_191delinsGTGGGT, p.Thr63fs (NM_001407004.1); short protein forms T63fs.
Identifiers: ClinVar variation 4998814 (VCV004998814.1).

ClinVar aggregate classification (germline): Uncertain significance (1 of 4 stars; one submission).

Conditions:
MYH7-related disorder. Also called: MYH7-related condition; MYH7-related disease; MYH7-related disorders.

Submission:

PreventionGenetics, part of Exact Sciences
Classification: Uncertain significance for MYH7-related condition. Last evaluated: 2024-10-28. Review status: criteria provided, single submitter. Criteria: ACMG Guidelines, 2015. Collection method: clinical testing. Allele origin: germline.
Comment: The MYH7 c.187_191delinsGTGGGT variant is predicted to result in a frameshift and premature protein termination (p.Thr63Valfs*36). To our knowledge, this variant has not been reported in the literature or in a large population database (gnomAD), indicating this variant is rare. Loss-of-function variants in MYH7 are currently not an established mechanism of disease. Although we suspect that this variant may be pathogenic, at this time, the clinical significance of this variant is uncertain due to the absence of conclusive functional and genetic evidence.